The following is an entry in ClinVar:

NM_032043.3(BRIP1):c.3416C>T (p.Pro1139Leu)

Gene: BRIP1 (BRCA1 interacting DNA helicase 1; minus strand). Cytogenetic location: 17q23.2.
Variant type: single nucleotide variant.
Coding change: c.3416C>T on transcript NM_032043.3 (MANE Select); coding-DNA position 3416, C replaced by T.
Protein change: p.Pro1139Leu; replaces proline 1139 with leucine.
Molecular consequence: missense variant.
Genome position (GRCh38, 1-based): chr17:61,683,630, G>A on the plus strand (C>T on the coding strand, the complement: BRIP1 is on the minus strand). VCF-style: chr17-61683630-G-A. GRCh37 (hg19) VCF-style: chr17-59760991-G-A.
Other names: short protein forms P1139L.
Identifiers: ClinVar variation 491469 (VCV000491469.21), dbSNP rs1555572613, ClinGen allele CA400478775.

ClinVar aggregate classification (germline): Uncertain significance. Review status: criteria provided, multiple submitters, no conflicts (2 of 4 stars). 5 submissions from 5 submitters: Uncertain significance (5). Last evaluated 2025-11-17.

Conditions:
Hereditary cancer-predisposing syndrome. Also called: Tumor predisposition; Neoplastic Syndromes, Hereditary; Hereditary Cancer Syndrome; Hereditary neoplastic syndrome. Identifiers: Orphanet 140162, MedGen C0027672, MeSH D009386, MONDO:0015356.
Fanconi anemia complementation group J. Also called: BRIP1-Related Fanconi Anemia. Identifiers: Orphanet 84, MedGen C1836860, MONDO:0012187, OMIM 609054.
Familial cancer of breast. Also called: BREAST CANCER, FAMILIAL; hereditary breast carcinoma; Hereditary breast cancer. Identifiers: Orphanet 227535, MedGen C0346153, MONDO:0016419, OMIM 114480. Disease mechanism: loss of function.

Submissions (5):

Ambry Genetics
Classification: Uncertain significance for Hereditary cancer-predisposing syndrome. Last evaluated: 2025-11-17. Review status: criteria provided, single submitter. Criteria: Ambry Variant Classification Scheme 2023. Collection method: clinical testing. Allele origin: germline.
Comment: The p.P1139L variant (also known as c.3416C>T), located in coding exon 19 of the BRIP1 gene, results from a C to T substitution at nucleotide position 3416. The proline at codon 1139 is replaced by leucine, an amino acid with similar properties. This amino acid position is poorly conserved in available vertebrate species. In addition, this alteration is predicted to be tolerated by in silico analysis. Since supporting evidence is limited at this time, the clinical significance of this alteration remains unclear.

Quest Diagnostics Nichols Institute San Juan Capistrano
Classification: Uncertain significance. Last evaluated: 2024-10-10. Review status: criteria provided, single submitter. Criteria: Quest Diagnostics criteria. Collection method: clinical testing. Allele origin: unknown.
Comment: The BRIP1 c.3416C>T (p.Pro1139Leu) variant has not been reported in individuals with BRIP1-related conditions in the published literature. It also has not been reported in large, multi-ethnic general populations (Genome Aggregation Database). Analysis of this variant using bioinformatics tools for the prediction of the effect of amino acid changes on protein structure and function yielded predictions that this variant is benign. Based on the available information, we are unable to determine the clinical significance of this variant.

Labcorp Genetics (formerly Invitae), Labcorp
Classification: Uncertain significance for Familial cancer of breast; Fanconi anemia complementation group J. Last evaluated: 2024-04-09. Review status: criteria provided, single submitter. Criteria: Invitae Variant Classification Sherloc (09022015). Collection method: clinical testing. Allele origin: germline.
Comment: This sequence change replaces proline, which is neutral and non-polar, with leucine, which is neutral and non-polar, at codon 1139 of the BRIP1 protein (p.Pro1139Leu). This variant is not present in population databases (gnomAD no frequency). This variant has not been reported in the literature in individuals affected with BRIP1-related conditions. ClinVar contains an entry for this variant (Variation ID: 491469). An algorithm developed to predict the effect of missense changes on protein structure and function (PolyPhen-2) suggests that this variant is likely to be disruptive. In summary, the available evidence is currently insufficient to determine the role of this variant in disease. Therefore, it has been classified as a Variant of Uncertain Significance.

Color Diagnostics, LLC DBA Color Health
Classification: Uncertain significance for Hereditary cancer-predisposing syndrome. Last evaluated: 2023-12-05. Review status: criteria provided, single submitter. Criteria: ACMG Guidelines, 2015. Collection method: clinical testing. Allele origin: germline.
Comment: This missense variant replaces proline with leucine at codon 1139 of the BRIP1 protein. Computational prediction suggests that this variant may not impact protein structure and function (internally defined REVEL score threshold <= 0.5, PMID: 27666373). To our knowledge, functional studies have not been reported for this variant. This variant has not been reported in individuals affected with BRIP1-related disorders in the literature. This variant has not been identified in the general population by the Genome Aggregation Database (gnomAD). The available evidence is insufficient to determine the role of this variant in disease conclusively. Therefore, this variant is classified as a Variant of Uncertain Significance.

GeneDx
Classification: Uncertain significance. Last evaluated: 2022-05-04. Review status: criteria provided, single submitter. Criteria: GeneDx Variant Classification Process June 2021. Collection method: clinical testing. Allele origin: germline. Affected: yes.
Comment: Not observed at significant frequency in large population cohorts (gnomAD); In silico analysis supports that this missense variant does not alter protein structure/function; Has not been previously published as pathogenic or benign to our knowledge; This variant is associated with the following publications: (PMID: 20159562, 21127055)